The following is an entry in ClinVar:

ClinVar aggregate classification (germline): Uncertain significance (1 of 4 stars; one submission).

Conditions:
Carnitine palmitoyltransferase II deficiency. Also called: Carnitine Palmitoyltransferase 2 Deficiency. Identifiers: Orphanet 157, MedGen C0342790, MONDO:0015515.

gnomAD v4.1: 1 of 1,614,214 alleles (0.000062%); highest among the groups gnomAD compares: Admixed American, 0.0017%; no homozygotes.

Submission:

Labcorp Genetics (formerly Invitae), Labcorp
Classification: Uncertain significance for Carnitine palmitoyltransferase II deficiency. Last evaluated: 2023-10-03. Review status: criteria provided, single submitter. Criteria: Invitae Variant Classification Sherloc (09022015). Collection method: clinical testing. Allele origin: germline.
Comment: This sequence change replaces tryptophan, which is neutral and slightly polar, with cysteine, which is neutral and slightly polar, at codon 351 of the CPT2 protein (p.Trp351Cys). This variant is present in population databases (rs761438840, gnomAD 0.003%). This variant has not been reported in the literature in individuals affected with CPT2-related conditions. ClinVar contains an entry for this variant (Variation ID: 1431499). Advanced modeling of protein sequence and biophysical properties (such as structural, functional, and spatial information, amino acid conservation, physicochemical variation, residue mobility, and thermodynamic stability) performed at Invitae indicates that this missense variant is expected to disrupt CPT2 protein function. In summary, the available evidence is currently insufficient to determine the role of this variant in disease. Therefore, it has been classified as a Variant of Uncertain Significance.

NM_000098.3(CPT2):c.1053G>T (p.Trp351Cys)

Gene: CPT2 (carnitine palmitoyltransferase 2; plus strand). Cytogenetic location: 1p32.3.
Variant type: single nucleotide variant.
Coding change: c.1053G>T on transcript NM_000098.3 (MANE Select); coding-DNA position 1053, G replaced by T.
Protein change: p.Trp351Cys; replaces tryptophan 351 with cysteine.
Molecular consequence: missense variant.
Genome position (GRCh38, 1-based): chr1:53,210,727, G>T. VCF-style: chr1-53210727-G-T. GRCh37 (hg19) VCF-style: chr1-53676399-G-T.
Other names: c.1053G>T, p.Trp351Cys (NM_001330589.2); short protein forms W351C.
Identifiers: ClinVar variation 1431499 (VCV001431499.4), dbSNP rs761438840, ClinGen allele CA859115.